The following is an entry in ClinVar:

NM_017755.6(NSUN2):c.997G>A (p.Ala333Thr)

Gene: NSUN2 (NOP2/Sun RNA methyltransferase 2; minus strand). Cytogenetic location: 5p15.31.
Variant type: single nucleotide variant.
Coding change: c.997G>A on transcript NM_017755.6 (MANE Select); coding-DNA position 997, G replaced by A.
Protein change: p.Ala333Thr; replaces alanine 333 with threonine.
Molecular consequence: missense variant. On other transcripts: non-coding transcript variant (1).
Genome position (GRCh38, 1-based): chr5:6,616,751, C>T on the plus strand (G>A on the coding strand, the complement: NSUN2 is on the minus strand). VCF-style: chr5-6616751-C-T. GRCh37 (hg19) VCF-style: chr5-6616864-C-T.
Other names: c.892G>A, p.Ala298Thr (NM_001193455.2); short protein forms A333T, A298T.
Identifiers: ClinVar variation 354058 (VCV000354058.18), dbSNP rs564938323, ClinGen allele CA3192602.

ClinVar aggregate classification (germline): Conflicting classifications of pathogenicity. Review status: criteria provided, conflicting classifications (1 of 4 stars). 3 submissions from 3 submitters: Uncertain significance (1); Likely benign (2). Last evaluated 2025-05-01.

Conditions:
Intellectual developmental disorder, autosomal recessive 5. Also called: Intellectual disability, autosomal recessive 5. Identifiers: Orphanet 88616, MedGen C1970199, MONDO:0012613, OMIM 611091.
Inborn genetic diseases. Identifiers: MedGen C0950123, MeSH D030342.

Allele frequency attached by ClinVar (database versions not stated): gnomAD exomes 0.00022 and 0.00041; gnomAD 0.00036 and below 0.00001; TOPMed 0.00002; 1000 Genomes Project 0.00140; ExAC 0.00049; 1000 Genomes Project 30x 0.00109.
gnomAD v4.1: 334 of 1,488,672 alleles (0.022%); highest among the groups gnomAD compares: South Asian, 0.37%; 3 homozygotes.

Submissions (3):

Labcorp Genetics (formerly Invitae), Labcorp
Classification: Likely benign. Last evaluated: 2025-05-01. Review status: criteria provided, single submitter. Criteria: Invitae Variant Classification Sherloc (09022015). Collection method: clinical testing. Allele origin: germline.

Illumina Laboratory Services, Illumina
Classification: Likely benign for Intellectual developmental disorder, autosomal recessive 5. Last evaluated: 2018-01-13. Review status: criteria provided, single submitter. Criteria: ICSL Variant Classification Criteria 13 December 2019. Collection method: clinical testing. Allele origin: germline.
Comment: This variant was observed in the ICSL laboratory as part of a predisposition screen in an ostensibly healthy population. It had not been previously curated by ICSL or reported in the Human Gene Mutation Database (HGMD: prior to June 1st, 2018), and was therefore a candidate for classification through an automated scoring system. Utilizing variant allele frequency, disease prevalence and penetrance estimates, and inheritance mode, an automated score was calculated to assess if this variant is too frequent to cause the disease. Based on the score and internal cut-off values, a variant classified as likely benign is not then subjected to further curation. The score for this variant resulted in a classification of likely benign for this disease.

Ambry Genetics
Classification: Uncertain significance for Inborn genetic diseases. Last evaluated: 2017-05-24. Review status: criteria provided, single submitter. Criteria: Ambry Variant Classification Scheme 2023. Collection method: clinical testing. Allele origin: germline.
Comment: The p.A333T variant (also known as c.997G>A), located in coding exon 9 of the NSUN2 gene, results from a G to A substitution at nucleotide position 997. The alanine at codon 333 is replaced by threonine, an amino acid with similar properties. This amino acid position is highly conserved in available vertebrate species. In addition, the in silico prediction for this alteration is inconclusive. Since supporting evidence is limited at this time, the clinical significance of this alteration remains unclear.